The following is an entry in ClinVar:

ClinVar aggregate classification (germline): Uncertain significance. Review status: criteria provided, multiple submitters, no conflicts (2 of 4 stars). 2 submissions from 2 submitters: Uncertain significance (2). Last evaluated 2025-10-22.

Conditions:
Retinitis pigmentosa 20 (RP20). Identifiers: Orphanet 791, MedGen C3151086, MONDO:0013425, OMIM 613794.
Leber congenital amaurosis 2 (LCA2). Also called: Autosomal Recessive RPE65-Related Retinal Degeneration; AMAUROSIS CONGENITA OF LEBER II. Identifiers: Orphanet 65, MedGen C1859844, MONDO:0008765, OMIM 204100. Disease mechanism: loss of function.

Submissions (2):

Labcorp Genetics (formerly Invitae), Labcorp
Classification: Uncertain significance for Leber congenital amaurosis 2; Retinitis pigmentosa 20. Last evaluated: 2025-10-22. Review status: criteria provided, single submitter. Criteria: Invitae Variant Classification Sherloc (09022015). Collection method: clinical testing. Allele origin: germline.
Comment: This sequence change replaces histidine, which is basic and polar, with arginine, which is basic and polar, at codon 76 of the RPE65 protein (p.His76Arg). This variant is not present in population databases (gnomAD no frequency). This variant has not been reported in the literature in individuals affected with RPE65-related conditions. ClinVar contains an entry for this variant (Variation ID: 1044274). Invitae Evidence Modeling of protein sequence and biophysical properties (such as structural, functional, and spatial information, amino acid conservation, physicochemical variation, residue mobility, and thermodynamic stability) indicates that this missense variant is not expected to disrupt RPE65 protein function with a negative predictive value of 80%. In summary, the available evidence is currently insufficient to determine the role of this variant in disease. Therefore, it has been classified as a Variant of Uncertain Significance.

Blueprint Genetics
Classification: Uncertain significance. Last evaluated: 2022-06-30. Review status: criteria provided, single submitter. Criteria: ACMG Guidelines, 2015. Collection method: clinical testing. Allele origin: germline.

NM_000329.3(RPE65):c.227A>G (p.His76Arg)

Gene: RPE65 (retinoid isomerohydrolase RPE65; minus strand). Cytogenetic location: 1p31.3.
Variant type: single nucleotide variant.
Coding change: c.227A>G on transcript NM_000329.3 (MANE Select); coding-DNA position 227, A replaced by G.
Protein change: p.His76Arg; replaces histidine 76 with arginine.
Molecular consequence: missense variant.
Genome position (GRCh38, 1-based): chr1:68,446,728, T>C on the plus strand (A>G on the coding strand, the complement: RPE65 is on the minus strand). VCF-style: chr1-68446728-T-C. GRCh37 (hg19) VCF-style: chr1-68912411-T-C.
Other names: short protein forms H76R.
Identifiers: ClinVar variation 1044274 (VCV001044274.9), dbSNP rs1571172233, ClinGen allele CA340748921.